The following continues an entry in ClinVar:

NM_001244008.2(KIF1A):c.646C>T (p.Arg216Cys)

Gene: KIF1A. ClinVar aggregate classification (germline): Pathogenic/Likely pathogenic. Pathogenic (12); Likely pathogenic (1).

Submissions 9 to 14 of 14:

Blueprint Genetics
Classification: Pathogenic for KIF1A-related disorders. Last evaluated: 2020-10-29. Review status: criteria provided, single submitter. Criteria: ACMG Guidelines, 2015. Collection method: clinical testing. Allele origin: germline. Affected: yes. Observed: 2 variant alleles.

Baylor Genetics
Classification: Pathogenic for Spastic paraplegia 30A, autosomal dominant. Last evaluated: 2019-09-11. Review status: criteria provided, single submitter. Criteria: ACMG Guidelines, 2015. Collection method: clinical testing. Allele origin: de novo. Inheritance: Autosomal dominant inheritance. Affected: yes. Observed: 1 heterozygote.

Child and Family Research Institute
Classification: Pathogenic for PEHO syndrome. Last evaluated: 2015-08-07. Review status: criteria provided, single submitter. Criteria: ACMG Guidelines, 2015. Collection method: literature only. Allele origin: de novo. Affected: yes. Observed: 1 variant allele.

Clinical Genetics and Genomics, Karolinska University Hospital
Classification: Likely pathogenic. Last evaluated: 2015-05-31. Review status: criteria provided, single submitter. Criteria: ACMG Guidelines, 2015. Collection method: clinical testing. Allele origin: germline. Affected: yes. Observed: 1 variant allele.

Paris Brain Institute, Inserm - ICM
Classification: Pathogenic for Spastic paraplegia 30A, autosomal dominant. Review status: criteria provided, single submitter. Criteria: ACMG Guidelines, 2015. Collection method: clinical testing. Allele origin: unknown. Affected: yes. Observed: 1 variant allele.

OMIM
Classification: Pathogenic for NESCAV SYNDROME. Last evaluated: 2026-08-07. Review status: no assertion criteria provided. Collection method: literature only. Allele origin: germline. Not counted in ClinVar's aggregate classification.

Literature cited by the submitters: PubMed 34015165 (cited by Women's Health and Genetics/Laboratory Corporation of America, LabCorp); PubMed 26125038 (cited by 6 submitters); PubMed 25265257 (cited by Ambry Genetics and Illumina Laboratory Services, Illumina); PubMed 25533962 (cited by Ambry Genetics); PubMed 31805580 (cited by Ambry Genetics and OMIM); PubMed 33880452 (cited by Ambry Genetics); PubMed 26486474 (cited by Child and Family Research Institute); Esmaeeli Nieh, S., Madou, M. R. Z., Sirajuddin, M., Fregeau, B., McKnight, D., Lexa, K., Strober, J., Spaeth, C., Hallinan, B. E., Smaoui, N., Pappas, J. G., Burrow, T. A., McDonald, M. T., Latibashvili, M., Leshinsky-Silver, E., Lev, D., Blumkin, L., Vale, R. D., Barkovich, A. J., Sherr, E. H. De novo mutations in KIF1A cause progressive encephalopathy and brain atrophy. Ann. Clin. Transl. Neurol. 2: 623-635, 2015. (cited by OMIM).